The following is an entry in ClinVar:

ClinVar aggregate classification (germline): Uncertain significance (1 of 4 stars; one submission).

Allele frequency attached by ClinVar (database versions not stated): gnomAD exomes below 0.00001; ExAC 0.00001.
gnomAD v4.1: 1 of 1,613,958 alleles (0.000062%); highest among the groups gnomAD compares: Non-Finnish European, 0.000085%; no homozygotes.

Submission:

Labcorp Genetics (formerly Invitae), Labcorp
Classification: Uncertain significance. Last evaluated: 2022-09-27. Review status: criteria provided, single submitter. Criteria: Invitae Variant Classification Sherloc (09022015). Collection method: clinical testing. Allele origin: germline.
Comment: In summary, the available evidence is currently insufficient to determine the role of this variant in disease. Therefore, it has been classified as a Variant of Uncertain Significance. Algorithms developed to predict the effect of missense changes on protein structure and function are either unavailable or do not agree on the potential impact of this missense change (SIFT: "Deleterious"; PolyPhen-2: "Not Available"; Align-GVGD: "Class C65"). This variant has not been reported in the literature in individuals affected with CYFIP2-related conditions. This variant is present in population databases (rs770698075, gnomAD 0.0009%). This sequence change replaces arginine, which is basic and polar, with cysteine, which is neutral and slightly polar, at codon 744 of the CYFIP2 protein (p.Arg744Cys).

NM_001037333.3(CYFIP2):c.2230C>T (p.Arg744Cys)

Gene: CYFIP2 (cytoplasmic FMR1 interacting protein 2; plus strand). Cytogenetic location: 5q33.3.
Variant type: single nucleotide variant.
Coding change: c.2230C>T on transcript NM_001037333.3 (MANE Select); coding-DNA position 2230, C replaced by T.
Protein change: p.Arg744Cys; replaces arginine 744 with cysteine.
Molecular consequence: missense variant.
Genome position (GRCh38, 1-based): chr5:157,330,815, C>T. VCF-style: chr5-157330815-C-T. GRCh37 (hg19) VCF-style: chr5-156757823-C-T.
Other names: c.2152C>T, p.Arg718Cys (NM_001291721.2); c.2305C>T, p.Arg769Cys (NM_001291722.2); c.2230C>T, p.Arg744Cys (NM_014376.4); short protein forms R718C, R744C, R769C.
Identifiers: ClinVar variation 1720461 (VCV001720461.5), dbSNP rs770698075, ClinGen allele CA3533799.